The following is an entry in ClinVar:

NC_000004.11:g.(?_122722580)_(122738011_?)dup

Genes: CCNA2 (cyclin A2; minus strand), EXOSC9 (exosome component 9; plus strand). Cytogenetic location: 4q27.
Variant type: Duplication.
Identifiers: ClinVar variation 1410032 (VCV001410032.4).

ClinVar aggregate classification (germline): Uncertain significance (1 of 4 stars; one submission).

Submission:

Labcorp Genetics (formerly Invitae), Labcorp
Classification: Uncertain significance. Last evaluated: 2021-06-17. Review status: criteria provided, single submitter. Criteria: Invitae Variant Classification Sherloc (09022015). Collection method: clinical testing. Allele origin: germline.
Comment: In summary, the available evidence is currently insufficient to determine the role of this variant in disease. Therefore, it has been classified as a Variant of Uncertain Significance. Experimental studies and prediction algorithms are not available or were not evaluated, and the functional significance of this variant is currently unknown. This variant has not been reported in the literature in individuals with EXOSC9-related conditions. A copy number gain of the genomic region encompassing the full coding sequence of the EXOSC9 gene has been identified. The boundaries of this event are unknown as they extend beyond the assayed region for this gene and therefore may encompass additional genes. As the precise location of this event is unknown, it may be in tandem or it may be located elsewhere in the genome.